The following is an entry in ClinVar:

ClinVar aggregate classification (germline): Uncertain significance (1 of 4 stars; one submission).

Conditions:
Niemann-Pick disease, type C1. Also called: NEUROVISCERAL STORAGE DISEASE WITH VERTICAL SUPRANUCLEAR OPHTHALMOPLEGIA; NIEMANN-PICK DISEASE WITH CHOLESTEROL ESTERIFICATION BLOCK; NIEMANN-PICK DISEASE WITHOUT SPHINGOMYELINASE DEFICIENCY; NIEMANN-PICK DISEASE, CHRONIC NEURONOPATHIC FORM; NIEMANN-PICK DISEASE, VARIANT TYPE C1. Identifiers: Orphanet 646, MedGen C3179455, MONDO:0009757, OMIM 257220.

Allele frequency attached by ClinVar (database versions not stated): gnomAD exomes below 0.00001; TOPMed 0.00001; gnomAD 0.00002.
gnomAD v4.1: 8 of 1,613,942 alleles (0.0005%); highest among the groups gnomAD compares: African/African-American, 0.0013%; no homozygotes.

Submission:

Labcorp Genetics (formerly Invitae), Labcorp
Classification: Uncertain significance for Niemann-Pick disease, type C1. Last evaluated: 2022-08-16. Review status: criteria provided, single submitter. Criteria: Invitae Variant Classification Sherloc (09022015). Collection method: clinical testing. Allele origin: germline.
Comment: This sequence change replaces arginine, which is basic and polar, with glutamine, which is neutral and polar, at codon 348 of the NPC1 protein (p.Arg348Gln). This variant is not present in population databases (gnomAD no frequency). This variant has not been reported in the literature in individuals affected with NPC1-related conditions. Advanced modeling of protein sequence and biophysical properties (such as structural, functional, and spatial information, amino acid conservation, physicochemical variation, residue mobility, and thermodynamic stability) performed at Invitae indicates that this missense variant is not expected to disrupt NPC1 protein function. In summary, the available evidence is currently insufficient to determine the role of this variant in disease. Therefore, it has been classified as a Variant of Uncertain Significance.

NM_000271.5(NPC1):c.1043G>A (p.Arg348Gln)

Gene: NPC1 (NPC intracellular cholesterol transporter 1; minus strand). Cytogenetic location: 18q11.2.
Variant type: single nucleotide variant.
Coding change: c.1043G>A on transcript NM_000271.5 (MANE Select); coding-DNA position 1043, G replaced by A.
Protein change: p.Arg348Gln; replaces arginine 348 with glutamine.
Molecular consequence: missense variant.
Genome position (GRCh38, 1-based): chr18:23,556,526, C>T on the plus strand (G>A on the coding strand, the complement: NPC1 is on the minus strand). VCF-style: chr18-23556526-C-T. GRCh37 (hg19) VCF-style: chr18-21136490-C-T.
Other names: short protein forms R348Q.
Identifiers: ClinVar variation 2149268 (VCV002149268.1), dbSNP rs955225422, ClinGen allele CA297069665.